The following is an entry in ClinVar:

NM_000271.5(NPC1):c.3G>A (p.Met1Ile)

Gene: NPC1 (NPC intracellular cholesterol transporter 1; minus strand). Cytogenetic location: 18q11.2.
Variant type: single nucleotide variant.
Coding change: c.3G>A on transcript NM_000271.5 (MANE Select); coding-DNA position 3, G replaced by A.
Protein change: p.Met1Ile; changes the start codon (methionine 1).
Molecular consequence: missense variant, initiator codon variant.
Genome position (GRCh38, 1-based): chr18:23,586,341, C>T on the plus strand (G>A on the coding strand, the complement: NPC1 is on the minus strand). VCF-style: chr18-23586341-C-T. GRCh37 (hg19) VCF-style: chr18-21166305-C-T.
Other names: short protein forms M1I.
Identifiers: ClinVar variation 551469 (VCV000551469.6), dbSNP rs1555645630, ClinGen allele CA402041566.
Genomic context (GRCh38, chr18:23,586,341, plus strand): 5'-GCTCACCTGCGCTGGACACAGTAGCAGCAGGAGGAGGCCAAGGGCCAGGCCGCGAGCGGT[C>T]ATGCTGTGGCCGCGCAAGGCTGCTGACGCCGGCGGCGTTCGGCTGGTTGGGCTCCCCGGA-3'
Protein context (NP_000262.2, residues 1-11): [Met1Ile]TARGLALGLL

ClinVar aggregate classification (germline): Pathogenic/Likely pathogenic. Review status: criteria provided, multiple submitters, no conflicts (2 of 4 stars). 3 submissions from 3 submitters: Pathogenic (1); Likely pathogenic (1). 1 of the submissions does not count toward it. Last evaluated 2025-02-27.

Conditions:
Niemann-Pick disease, type C1. Also called: NEUROVISCERAL STORAGE DISEASE WITH VERTICAL SUPRANUCLEAR OPHTHALMOPLEGIA; NIEMANN-PICK DISEASE WITH CHOLESTEROL ESTERIFICATION BLOCK; NIEMANN-PICK DISEASE WITHOUT SPHINGOMYELINASE DEFICIENCY; NIEMANN-PICK DISEASE, CHRONIC NEURONOPATHIC FORM; NIEMANN-PICK DISEASE, VARIANT TYPE C1. Identifiers: Orphanet 646, MedGen C3179455, MONDO:0009757, OMIM 257220.

Submissions (3):

Natera, Inc.
Classification: Likely pathogenic for Niemann-Pick disease type C1. Last evaluated: 2025-02-27. Review status: criteria provided, single submitter. Criteria: Natera Variant Classification Schema (03/2026). Collection method: clinical testing. Allele origin: germline.
Comment: The c.3G>A variant in NPC1 is predicted to result in start loss due to disruption of the initiator methionine. This variant is expected to result in nonsense mediated decay, truncation, or a dysfunctional protein product. This variant is rare in the general population with a frequency below the threshold expected for the associated phenotype(s). Given the available evidence, this variant is classified as Likely Pathogenic.

Labcorp Genetics (formerly Invitae), Labcorp
Classification: Pathogenic for Niemann-Pick disease, type C1. Last evaluated: 2025-01-15. Review status: criteria provided, single submitter. Criteria: Invitae Variant Classification Sherloc (09022015). Collection method: clinical testing. Allele origin: germline.
Comment: This sequence change affects the initiator methionine of the NPC1 mRNA. The next in-frame methionine is located at codon 156. This variant is not present in population databases (gnomAD no frequency). This variant has not been reported in the literature in individuals affected with NPC1-related conditions. ClinVar contains an entry for this variant (Variation ID: 551469). This variant disrupts a region of the NPC1 protein in which other variant(s) (p.Gln92Arg) have been determined to be pathogenic (PMID: 11349231, 11479732, 28105569, 31139477). This suggests that this is a clinically significant region of the protein, and that variants that disrupt it are likely to be disease-causing. For these reasons, this variant has been classified as Pathogenic.

Counsyl
Classification: Likely pathogenic for Niemann-Pick disease, type C1. Last evaluated: 2017-04-12. Review status: no assertion criteria provided. Collection method: clinical testing. Allele origin: unknown. Not counted in ClinVar's aggregate classification.

Literature cited by the submitters: PubMed 11349231 (cited by Labcorp Genetics (formerly Invitae), Labcorp); PubMed 11479732 (cited by Labcorp Genetics (formerly Invitae), Labcorp); PubMed 28105569 (cited by Labcorp Genetics (formerly Invitae), Labcorp); PubMed 31139477 (cited by Labcorp Genetics (formerly Invitae), Labcorp).